The following is an entry in ClinVar:

ClinVar aggregate classification (germline): Pathogenic (1 of 4 stars; one submission).

Submission:

GeneDx
Classification: Pathogenic. Last evaluated: 2012-02-01. Review status: criteria provided, single submitter. Criteria: GeneDx Variant Classification (06012015). Collection method: clinical testing. Allele origin: germline. Affected: yes.
Comment: The c.2946+2 T>G splice site mutation in the SCN1A gene destroys the canonical splice donor site in intron 15. It is predicted to cause abnormal gene splicing, either leading to an abnormal message that is subject to nonsense-mediated mRNA decay or to an abnormal protein product if the message is used for protein translation. Another mutation abolishing this splice donor site and many other splice site mutations have been reported in SCN1A (Lossin 2009). Therefore, although this mutation has not been previously reported, to our knowledge, its presence is consistent with a diagnosis of an SCN1A-related disorder. The variant is found in INFANT-EPI panel(s).

NM_001165963.4(SCN1A):c.2946+2T>G

Gene: SCN1A (sodium voltage-gated channel alpha subunit 1; minus strand). Cytogenetic location: 2q24.3.
Variant type: single nucleotide variant.
Coding change: c.2946+2T>G on transcript NM_001165963.4 (MANE Select); the canonical splice donor site of the intron after coding-DNA position 2946, T replaced by G.
Molecular consequence: splice donor variant.
Genome position (GRCh38, 1-based): chr2:166,037,774, A>C on the plus strand (T>G on the coding strand, the complement: SCN1A is on the minus strand). VCF-style: chr2-166037774-A-C. GRCh37 (hg19) VCF-style: chr2-166894284-A-C.
Other names: c.2913+2T>G (NM_001353949.2, NM_001353950.2, NM_001353951.2 and 2 more transcripts); c.2862+2T>G (NM_001353958.2, NM_001353957.2, NM_001165964.3); c.2946+2T>G (NM_001202435.3, NM_001353948.2); c.2910+2T>G (NM_001353955.2, NM_001353954.2); c.2859+2T>G (NM_001353960.2); c.504+2T>G (NM_001353961.2).
Identifiers: ClinVar variation 208412 (VCV000208412.2), dbSNP rs797044985, ClinGen allele CA319676.